The following is an entry in ClinVar:

ClinVar aggregate classification (germline): Uncertain significance (1 of 4 stars; one submission).

Allele frequency attached by ClinVar (database versions not stated): gnomAD exomes below 0.00001; TOPMed below 0.00001; ExAC 0.00001; gnomAD 0.00001.

Submission:

Labcorp Genetics (formerly Invitae), Labcorp
Classification: Uncertain significance. Last evaluated: 2022-08-23. Review status: criteria provided, single submitter. Criteria: Invitae Variant Classification Sherloc (09022015). Collection method: clinical testing. Allele origin: germline.
Comment: In summary, the available evidence is currently insufficient to determine the role of this variant in disease. Therefore, it has been classified as a Variant of Uncertain Significance. Algorithms developed to predict the effect of sequence changes on RNA splicing suggest that this variant may create or strengthen a splice site. Algorithms developed to predict the effect of missense changes on protein structure and function (SIFT, PolyPhen-2, Align-GVGD) all suggest that this variant is likely to be tolerated. This variant has not been reported in the literature in individuals affected with DHX38-related conditions. This variant is present in population databases (rs763036639, gnomAD 0.003%). This sequence change replaces arginine, which is basic and polar, with glutamine, which is neutral and polar, at codon 390 of the DHX38 protein (p.Arg390Gln).

NM_014003.4(DHX38):c.1169G>A (p.Arg390Gln)

Gene: DHX38 (DEAH-box helicase 38; plus strand). Cytogenetic location: 16q22.2.
Variant type: single nucleotide variant.
Coding change: c.1169G>A on transcript NM_014003.4 (MANE Select); coding-DNA position 1169, G replaced by A.
Protein change: p.Arg390Gln; replaces arginine 390 with glutamine.
Molecular consequence: missense variant.
Genome position (GRCh38, 1-based): chr16:72,100,488, G>A. VCF-style: chr16-72100488-G-A. GRCh37 (hg19) VCF-style: chr16-72134387-G-A.
Other names: short protein forms R390Q.
Identifiers: ClinVar variation 2070121 (VCV002070121.4), dbSNP rs763036639, ClinGen allele CA8160232.